The following is an entry in ClinVar:

ClinVar aggregate classification (germline): Uncertain significance (1 of 4 stars; one submission).

Allele frequency attached by ClinVar (database versions not stated): gnomAD exomes below 0.00001; ExAC 0.00001.
gnomAD v4.1: 4 of 1,613,390 alleles (0.00025%); highest among the groups gnomAD compares: Non-Finnish European, 0.00034%; no homozygotes.

Submission:

Labcorp Genetics (formerly Invitae), Labcorp
Classification: Uncertain significance. Last evaluated: 2024-06-03. Review status: criteria provided, single submitter. Criteria: Invitae Variant Classification Sherloc (09022015). Collection method: clinical testing. Allele origin: germline.
Comment: This sequence change replaces valine, which is neutral and non-polar, with isoleucine, which is neutral and non-polar, at codon 441 of the PKP1 protein (p.Val441Ile). This variant is present in population databases (rs775266106, gnomAD 0.0009%). This variant has not been reported in the literature in individuals affected with PKP1-related conditions. ClinVar contains an entry for this variant (Variation ID: 1957326). Advanced modeling of protein sequence and biophysical properties (such as structural, functional, and spatial information, amino acid conservation, physicochemical variation, residue mobility, and thermodynamic stability) performed at Invitae indicates that this missense variant is not expected to disrupt PKP1 protein function with a negative predictive value of 80%. In summary, the available evidence is currently insufficient to determine the role of this variant in disease. Therefore, it has been classified as a Variant of Uncertain Significance.

NM_001005337.3(PKP1):c.1321G>A (p.Val441Ile)

Gene: PKP1 (plakophilin 1; plus strand). Cytogenetic location: 1q32.1.
Variant type: single nucleotide variant.
Coding change: c.1321G>A on transcript NM_001005337.3 (MANE Select); coding-DNA position 1321, G replaced by A.
Protein change: p.Val441Ile; replaces valine 441 with isoleucine.
Molecular consequence: missense variant.
Genome position (GRCh38, 1-based): chr1:201,320,355, G>A. VCF-style: chr1-201320355-G-A. GRCh37 (hg19) VCF-style: chr1-201289483-G-A.
Other names: c.1384G>A, p.Val462Ile (NM_000299.4); short protein forms V462I, V441I.
Identifiers: ClinVar variation 1957326 (VCV001957326.5), dbSNP rs775266106, ClinGen allele CA1324404.